The following is an entry in ClinVar:

ClinVar aggregate classification (germline): Uncertain significance (1 of 4 stars; one submission).

Conditions:
Hereditary spastic paraplegia. Also called: Familial spastic paraparesis. Identifiers: Orphanet 685, MedGen C0037773, MONDO:0019064. Disease mechanism: loss of function.

Submission:

Labcorp Genetics (formerly Invitae), Labcorp
Classification: Uncertain significance for Hereditary spastic paraplegia. Last evaluated: 2022-06-27. Review status: criteria provided, single submitter. Criteria: Invitae Variant Classification Sherloc (09022015). Collection method: clinical testing. Allele origin: germline.
Comment: This sequence change replaces glutamine, which is neutral and polar, with proline, which is neutral and non-polar, at codon 518 of the USP8 protein (p.Gln518Pro). In summary, the available evidence is currently insufficient to determine the role of this variant in disease. Therefore, it has been classified as a Variant of Uncertain Significance. Algorithms developed to predict the effect of missense changes on protein structure and function (SIFT, PolyPhen-2, Align-GVGD) all suggest that this variant is likely to be tolerated. This variant has not been reported in the literature in individuals affected with USP8-related conditions. This variant is not present in population databases (gnomAD no frequency).

NM_005154.5(USP8):c.1553A>C (p.Gln518Pro)

Gene: USP8 (ubiquitin specific peptidase 8; plus strand). Cytogenetic location: 15q21.2.
Variant type: single nucleotide variant.
Coding change: c.1553A>C on transcript NM_005154.5 (MANE Select); coding-DNA position 1553, A replaced by C.
Protein change: p.Gln518Pro; replaces glutamine 518 with proline.
Molecular consequence: missense variant.
Genome position (GRCh38, 1-based): chr15:50,481,815, A>C. VCF-style: chr15-50481815-A-C. GRCh37 (hg19) VCF-style: chr15-50774012-A-C.
Other names: c.1553A>C, p.Gln518Pro (NM_001128610.3); c.1322A>C, p.Gln441Pro (NM_001283049.2); short protein forms Q518P, Q441P.
Identifiers: ClinVar variation 1387274 (VCV001387274.6), dbSNP rs2141304804, ClinGen allele CA392393428.
Genomic context (GRCh38, chr15:50,481,815, plus strand): 5'-AACAAGAACAAAAAGCCAAAAAGAAACAAGAAGCTGAAGAAAATGAAATTACAGAGAAGC[A>C]ACAAAAAGCAAAAGAAGAAATGGAGAAGAAAGAAAGTGAACAGGCCAAGAAAGAAGATAA-3'
Protein context (NP_005145.3, residues 508-528): EAEENEITEK[Gln518Pro]QKAKEEMEKK